The following is an entry in ClinVar:

NM_000059.4(BRCA2):c.4884_4885del (p.Lys1628fs)

Gene: BRCA2 (BRCA2 DNA repair associated; plus strand). Cytogenetic location: 13q13.1.
Variant type: Deletion.
Coding change: c.4884_4885del on transcript NM_000059.4 (MANE Select); coding-DNA positions 4884 to 4885, 2 bases deleted (AA; older notation c.4884_4885delAA).
Protein change: p.Lys1628fs; shifts the reading frame from lysine 1628.
Molecular consequence: frameshift variant.
Genome position (GRCh38, 1-based): chr13:32,339,239-32,339,240, AA deleted; deleting any 2 consecutive bases within chr13:32,339,237-32,339,240 gives the same sequence; the c. name uses the placement nearest the transcript's 3' end. VCF-style (leftmost placement, unchanged base first): chr13-32339236-CAA-C. GRCh37 (hg19) VCF-style: chr13-32913373-CAA-C.
Other names: c.4884_4885delAA (NM_000059.3); short protein forms K1628fs.
Identifiers: ClinVar variation 485428 (VCV000485428.19), dbSNP rs1555283971, ClinGen allele CA658656364.
Genomic context (GRCh38, chr13:32,339,236, plus strand): 5'-TGAGACTGTGGTGCCACCTAAGCTCTTAAGTGATAATTTATGTAGACAAACTGAAAATCT[CAA>C]AACATCAAAAAGTATCTTTTTGAAAGTTAAAGTACATGAAAATGTAGAAAAAGAAACAGC-3'

ClinVar aggregate classification (germline): Pathogenic. Review status: criteria provided, multiple submitters, no conflicts (2 of 4 stars). 3 submissions from 3 submitters: Pathogenic (3). Last evaluated 2026-03-11.

Conditions:
Hereditary breast ovarian cancer syndrome. Also called: Hereditary breast and/or ovarian cancer syndrome; Hereditary breast and ovarian cancer syndrome; Hereditary breast and ovarian cancer; Hereditary breast and ovarian cancer syndrome (HBOC); Breast and ovarian cancer; BRCA1- and BRCA2-Associated Hereditary Breast and Ovarian Cancer. Identifiers: Orphanet 145, MedGen C0677776, MeSH D061325, MONDO:0003582. Disease mechanism: loss of function.
Hereditary cancer-predisposing syndrome. Also called: Tumor predisposition; Hereditary Cancer Syndrome; Neoplastic Syndromes, Hereditary; Hereditary neoplastic syndrome. Identifiers: Orphanet 140162, MedGen C0027672, MeSH D009386, MONDO:0015356.

Submissions (3):

Ambry Genetics
Classification: Pathogenic for Hereditary cancer-predisposing syndrome. Last evaluated: 2026-03-11. Review status: criteria provided, single submitter. Criteria: Ambry Variant Classification Scheme 2023. Collection method: clinical testing. Allele origin: germline.
Comment: The c.4884_4885delAA alteration, located in exon 11 (coding exon 10) of the BRCA2 gene, consists of a deletion of 2 nucleotides from position 4884 to 4885, causing a translational frameshift with a predicted alternate stop codon after amino acids. This variant is expected to result in loss of function by premature protein truncation or nonsense-mediated mRNA decay. This variant was not reported in population-based cohorts in the Genome Aggregation Database (gnomAD). Based on the available evidence, this alteration is classified as pathogenic.

Labcorp Genetics (formerly Invitae), Labcorp
Classification: Pathogenic for Hereditary breast ovarian cancer syndrome. Last evaluated: 2025-05-13. Review status: criteria provided, single submitter. Criteria: Invitae Variant Classification Sherloc (09022015). Collection method: clinical testing. Allele origin: germline.
Comment: This sequence change creates a premature translational stop signal (p.Lys1628Asnfs*10) in the BRCA2 gene. It is expected to result in an absent or disrupted protein product. Loss-of-function variants in BRCA2 are known to be pathogenic (PMID: 20104584). This variant is not present in population databases (gnomAD no frequency). This premature translational stop signal has been observed in individual(s) with a carcinoid tumor of the lung (PMID: 31039815). ClinVar contains an entry for this variant (Variation ID: 485428). For these reasons, this variant has been classified as Pathogenic.

Quest Diagnostics Nichols Institute San Juan Capistrano
Classification: Pathogenic. Last evaluated: 2018-11-06. Review status: criteria provided, single submitter. Criteria: Quest Diagnostics criteria. Collection method: clinical testing. Allele origin: germline.
Comment: The variant results in a shift of the reading frame, and is therefore predicted to result in the loss of a functional protein. Found in at least one symptomatic patient, and not found in general population data.

Literature cited by the submitters: PubMed 31039815 (cited by Ambry Genetics and Labcorp Genetics (formerly Invitae), Labcorp); PubMed 20104584 (cited by Labcorp Genetics (formerly Invitae), Labcorp).